The following is an entry in ClinVar:

NM_018896.5(CACNA1G):c.5601A>G (p.Leu1867=)

Gene: CACNA1G (calcium voltage-gated channel subunit alpha1 G; plus strand). Cytogenetic location: 17q21.33.
Variant type: single nucleotide variant.
Coding change: c.5601A>G on transcript NM_018896.5 (MANE Select); coding-DNA position 5601, A replaced by G.
Protein change: p.Leu1867=; no amino-acid change (leucine 1867 retained).
Molecular consequence: synonymous variant. On other transcripts: non-coding transcript variant (5).
Genome position (GRCh38, 1-based): chr17:50,618,828, A>G. VCF-style: chr17-50618828-A-G. GRCh37 (hg19) VCF-style: chr17-48696189-A-G.
Other names: p.Leu1867=; c.5547A>G, p.Leu1849= (NM_001256324.2, NM_198386.3); c.5622A>G, p.Leu1874= (NM_001256325.2); c.5466A>G, p.Leu1822= (NM_001256326.2, NM_001256330.2); c.5580A>G, p.Leu1860= (NM_001256327.2); c.5526A>G, p.Leu1842= (NM_001256328.2); c.5499A>G, p.Leu1833= (NM_001256329.2, NM_198376.3, NM_198379.3 and 2 more transcripts); c.5445A>G, p.Leu1815= (NM_001256331.2); and 8 more.
Identifiers: ClinVar variation 783789 (VCV000783789.12), dbSNP rs59221624, ClinGen allele CA8653425.

ClinVar aggregate classification (germline): Benign/Likely benign. Review status: criteria provided, multiple submitters, no conflicts (2 of 4 stars). 4 submissions from 4 submitters: Benign (2); Likely benign (2). Last evaluated 2026-01-25.

Allele frequency attached by ClinVar (database versions not stated): gnomAD exomes 0.00088 and 0.00219; ExAC 0.00274; ESP Exome Variant Server 0.00886; gnomAD 0.00914 and 0.00972; TOPMed 0.00998; 1000 Genomes Project 0.01118; 1000 Genomes Project 30x 0.01140.

Submissions (4):

Labcorp Genetics (formerly Invitae), Labcorp
Classification: Benign. Last evaluated: 2026-01-25. Review status: criteria provided, single submitter. Criteria: Invitae Variant Classification Sherloc (09022015). Collection method: clinical testing. Allele origin: germline.

Mayo Clinic Laboratories, Mayo Clinic
Classification: Benign. Last evaluated: 2024-09-19. Review status: criteria provided, single submitter. Criteria: ACMG Guidelines, 2015. Collection method: clinical testing. Allele origin: germline. Observed: 4 variant alleles.
Comment: BA1, BS2, BP4, BP7

GeneDx
Classification: Likely benign. Last evaluated: 2021-03-30. Review status: criteria provided, single submitter. Criteria: GeneDx Variant Classification Process June 2021. Collection method: clinical testing. Allele origin: germline. Affected: yes.

Breakthrough Genomics
Classification: Likely benign. Review status: criteria provided, single submitter. Criteria: ACMG Guidelines, 2015. Collection method: not provided. Allele origin: germline. Inheritance: Autosomal dominant inheritance. Affected: yes.